The following is an entry in ClinVar:

ClinVar aggregate classification (germline): Uncertain significance (1 of 4 stars; one submission).

Conditions:
Fanconi anemia complementation group O. Also called: RAD51C-Related Fanconi Anemia. Identifiers: Orphanet 84, MedGen C3150653, MONDO:0013248, OMIM 613390.

Submission:

Labcorp Genetics (formerly Invitae), Labcorp
Classification: Uncertain significance for Fanconi anemia complementation group O. Last evaluated: 2022-04-01. Review status: criteria provided, single submitter. Criteria: Invitae Variant Classification Sherloc (09022015). Collection method: clinical testing. Allele origin: germline.
Comment: In summary, the available evidence is currently insufficient to determine the role of this variant in disease. Therefore, it has been classified as a Variant of Uncertain Significance. Algorithms developed to predict the effect of missense changes on protein structure and function are either unavailable or do not agree on the potential impact of this missense change (SIFT: "Deleterious"; PolyPhen-2: "Benign"; Align-GVGD: "Class C0"). This variant has not been reported in the literature in individuals affected with RAD51C-related conditions. This variant is not present in population databases (gnomAD no frequency). This sequence change replaces serine, which is neutral and polar, with tyrosine, which is neutral and polar, at codon 353 of the RAD51C protein (p.Ser353Tyr).

NM_058216.3(RAD51C):c.1058C>A (p.Ser353Tyr)

Gene: RAD51C (RAD51 paralog C; plus strand). Cytogenetic location: 17q22.
Variant type: single nucleotide variant.
Coding change: c.1058C>A on transcript NM_058216.3 (MANE Select); coding-DNA position 1058, C replaced by A.
Protein change: p.Ser353Tyr; replaces serine 353 with tyrosine.
Molecular consequence: missense variant. On other transcripts: non-coding transcript variant (1).
Genome position (GRCh38, 1-based): chr17:58,734,149, C>A. VCF-style: chr17-58734149-C-A. GRCh37 (hg19) VCF-style: chr17-56811510-C-A.
Other names: c.*486C>A (NM_058217.1); short protein forms S353Y.
Identifiers: ClinVar variation 2120126 (VCV002120126.4), dbSNP rs2144061027, ClinGen allele CA400366096.
Genomic context (GRCh38, chr17:58,734,149, plus strand): 5'-TATTTGTATATATATTTTTTATCTTTCAGCCTCAGGGATTTAGAGATACTGTTGTTACTT[C>A]TGCATGTTCATTGCAAACAGAAGGTTCCTTGAGCACCCGGAAACGGTCACGAGACCCAGA-3'
Protein context (NP_478123.1, residues 343-363): PQGFRDTVVT[Ser353Tyr]ACSLQTEGSL